The following is an entry in ClinVar:

NM_014141.6(CNTNAP2):c.2186C>T (p.Ala729Val)

Gene: CNTNAP2 (contactin associated protein 2; plus strand). Cytogenetic location: 7q35.
Variant type: single nucleotide variant.
Coding change: c.2186C>T on transcript NM_014141.6 (MANE Select); coding-DNA position 2186, C replaced by T.
Protein change: p.Ala729Val; replaces alanine 729 with valine.
Molecular consequence: missense variant.
Genome position (GRCh38, 1-based): chr7:147,903,652, C>T. VCF-style: chr7-147903652-C-T. GRCh37 (hg19) VCF-style: chr7-147600744-C-T.
Other names: short protein forms A729V.
Identifiers: ClinVar variation 420509 (VCV000420509.17), dbSNP rs758221358, ClinGen allele CA4546327.

ClinVar aggregate classification (germline): Uncertain significance. Review status: criteria provided, multiple submitters, no conflicts (2 of 4 stars). 4 submissions from 4 submitters: Uncertain significance (3). 1 of the submissions does not count toward it. Last evaluated 2025-01-09.

Conditions:
CNTNAP2-related disorder. Also called: CNTNAP2-related condition.
Cortical dysplasia-focal epilepsy syndrome (PTHSL1). Also called: Pitt-Hopkins-like syndrome 1. Identifiers: Orphanet 163681, Orphanet 221150, MedGen C2750246, MONDO:0012400, OMIM 610042.
Inborn genetic diseases. Identifiers: MedGen C0950123, MeSH D030342.

Allele frequency attached by ClinVar (database versions not stated): TOPMed 0.00002; gnomAD exomes 0.00004; gnomAD 0.00005; ExAC 0.00006.
gnomAD v4.1: 16 of 1,613,934 alleles (0.00099%); highest among the groups gnomAD compares: Admixed American, 0.025%; no homozygotes.

Submissions (4):

GeneDx
Classification: Uncertain significance. Last evaluated: 2025-01-09. Review status: criteria provided, single submitter. Criteria: GeneDx Variant Classification Process June 2021. Collection method: clinical testing. Allele origin: germline. Affected: yes.
Comment: In silico analysis supports that this missense variant has a deleterious effect on protein structure/function; Has not been previously published as pathogenic or benign to our knowledge

Labcorp Genetics (formerly Invitae), Labcorp
Classification: Uncertain significance for Cortical dysplasia-focal epilepsy syndrome. Last evaluated: 2023-10-13. Review status: criteria provided, single submitter. Criteria: Invitae Variant Classification Sherloc (09022015). Collection method: clinical testing. Allele origin: germline.
Comment: This sequence change replaces alanine, which is neutral and non-polar, with valine, which is neutral and non-polar, at codon 729 of the CNTNAP2 protein (p.Ala729Val). This variant is present in population databases (rs758221358, gnomAD 0.02%). This variant has not been reported in the literature in individuals affected with CNTNAP2-related conditions. ClinVar contains an entry for this variant (Variation ID: 420509). An algorithm developed to predict the effect of missense changes on protein structure and function (PolyPhen-2) suggests that this variant¬†is likely to be tolerated. In summary, the available evidence is currently insufficient to determine the role of this variant in disease. Therefore, it has been classified as a Variant of Uncertain Significance.

Ambry Genetics
Classification: Uncertain significance for Inborn genetic diseases. Last evaluated: 2017-06-27. Review status: criteria provided, single submitter. Criteria: Ambry Variant Classification Scheme 2023. Collection method: clinical testing. Allele origin: germline.
Comment: The p.A729V variant (also known as c.2186C>T), located in coding exon 14 of the CNTNAP2 gene, results from a C to T substitution at nucleotide position 2186. The alanine at codon 729 is replaced by valine, an amino acid with similar properties. This amino acid position is highly conserved in available vertebrate species. In addition, this alteration is predicted to be tolerated by in silico analysis. Since supporting evidence is limited at this time, the clinical significance of this alteration remains unclear.

PreventionGenetics, part of Exact Sciences
Classification: Uncertain significance for CNTNAP2-related condition. Last evaluated: 2023-10-26. Review status: no assertion criteria provided. Collection method: clinical testing. Allele origin: germline. Not counted in ClinVar's aggregate classification.
Comment: The CNTNAP2 c.2186C>T variant is predicted to result in the amino acid substitution p.Ala729Val. To our knowledge, this variant has not been reported in the literature. This variant is reported in 0.023% of alleles in individuals of Latino descent in gnomAD. At this time, the clinical significance of this variant is uncertain due to the absence of conclusive functional and genetic evidence.